The following is an entry in ClinVar:

NM_005032.7(PLS3):c.367+1G>A

Gene: PLS3 (plastin 3; plus strand). Cytogenetic location: Xq23.
Variant type: single nucleotide variant.
Coding change: c.367+1G>A on transcript NM_005032.7 (MANE Select); the canonical splice donor site of the intron after coding-DNA position 367, G replaced by A.
Molecular consequence: splice donor variant.
Genome position (GRCh38, 1-based): chrX:115,629,328, G>A. VCF-style: chrX-115629328-G-A. GRCh37 (hg19) VCF-style: chrX-114863640-G-A.
Other names: c.301+1G>A (NM_001282337.2); c.232+1G>A (NM_001282338.2); c.367+1G>A (NM_001136025.5); c.286+1G>A (NM_001172335.3).
Identifiers: ClinVar variation 1517731 (VCV001517731.9), dbSNP rs2147533057, ClinGen allele CA414333188.

ClinVar aggregate classification (germline): Pathogenic (1 of 4 stars; one submission).

Submissions (2):

Labcorp Genetics (formerly Invitae), Labcorp
Classification: Pathogenic. Last evaluated: 2024-10-30. Review status: criteria provided, single submitter. Criteria: Invitae Variant Classification Sherloc (09022015). Collection method: clinical testing. Allele origin: germline.
Comment: This sequence change affects a donor splice site in intron 4 of the PLS3 gene. It is expected to disrupt RNA splicing. Variants that disrupt the donor or acceptor splice site typically lead to a loss of protein function (PMID: 16199547), and loss-of-function variants in PLS3 are known to be pathogenic (PMID: 24088043, 30405713, 33166085). This variant is not present in population databases (gnomAD no frequency). Disruption of this splice site has been observed in individual(s) with PLS3-related conditions (PMID: 34743040). ClinVar contains an entry for this variant (Variation ID: 1517731). Algorithms developed to predict the effect of sequence changes on RNA splicing suggest that this variant may disrupt the consensus splice site. For these reasons, this variant has been classified as Pathogenic.

Dr. Peter K. Rogan Lab, Western University
No classification provided (evidence only). Condition: Thyroid cancer, nonmedullary, 1. Review status: no classification provided. Collection method: in vitro. Allele origin: not applicable. Functional consequence: retained intron. Not counted in ClinVar's aggregate classification.

Literature cited by the submitters: PubMed 16199547 (cited by Labcorp Genetics (formerly Invitae), Labcorp); PubMed 24088043 (cited by Labcorp Genetics (formerly Invitae), Labcorp); PubMed 30405713 (cited by Labcorp Genetics (formerly Invitae), Labcorp); PubMed 33166085 (cited by Labcorp Genetics (formerly Invitae), Labcorp); PubMed 34743040 (cited by Labcorp Genetics (formerly Invitae), Labcorp).